The following is an entry in ClinVar:

ClinVar aggregate classification (germline): Benign (0 of 4 stars; one submission).

Conditions:
ULK4-related disorder. Also called: ULK4-related condition.

Allele frequency attached by ClinVar (database versions not stated): ExAC 0.19746; 1000 Genomes Project 0.26558; 1000 Genomes Project 30x 0.26577; gnomAD exomes 0.17532; gnomAD 0.26587; ESP Exome Variant Server 0.26621; TOPMed 0.27307.
gnomAD v4.1: 297,951 of 1,613,284 alleles (18%); highest among the groups gnomAD compares: African/African-American, 50%; 32,118 homozygotes.

Submission:

PreventionGenetics, part of Exact Sciences
Classification: Benign for ULK4-related condition. Last evaluated: 2019-10-21. Review status: no assertion criteria provided. Collection method: clinical testing. Allele origin: germline.
Comment: This variant is classified as benign based on ACMG/AMP sequence variant interpretation guidelines (Richards et al. 2015 PMID: 25741868, with internal and published modifications).

NM_017886.4(ULK4):c.2551G>A (p.Val851Ile)

Gene: ULK4 (unc-51 like kinase 4; minus strand). Cytogenetic location: 3p22.1.
Variant type: single nucleotide variant.
Coding change: c.2551G>A on transcript NM_017886.4 (MANE Select); coding-DNA position 2551, G replaced by A.
Protein change: p.Val851Ile; replaces valine 851 with isoleucine.
Molecular consequence: missense variant. On other transcripts: non-coding transcript variant (1).
Genome position (GRCh38, 1-based): chr3:41,715,473, C>T on the plus strand (G>A on the coding strand, the complement: ULK4 is on the minus strand). VCF-style: chr3-41715473-C-T. GRCh37 (hg19) VCF-style: chr3-41756965-C-T.
Other names: c.2551G>A, p.Val851Ile (NM_001322500.2); c.1645G>A, p.Val549Ile (NM_001322501.2); short protein forms V549I, V851I.
Identifiers: ClinVar variation 3060808 (VCV003060808.2), dbSNP rs61744388, ClinGen allele CA2331848.